The following is an entry in ClinVar:

ClinVar aggregate classification (germline): Uncertain significance. Review status: criteria provided, multiple submitters, no conflicts (2 of 4 stars). 3 submissions from 3 submitters: Uncertain significance (3). Last evaluated 2024-01-17.

Conditions:
Arterial calcification, generalized, of infancy, 2. Identifiers: Orphanet 51608, MedGen C3276161, MONDO:0013768, OMIM 614473.
Autosomal recessive inherited pseudoxanthoma elasticum (PXE). Identifiers: Orphanet 758, MedGen CN032334, MONDO:0009925, OMIM 264800.
Pseudoxanthoma elasticum, forme fruste. Also called: Pseudoxanthoma Elasticum, Incomplete; PSEUDOXANTHOMA ELASTICUM, HETEROZYGOUS. Identifiers: Orphanet 758, MedGen C1867450, MONDO:0008333, OMIM 177850.

Allele frequency attached by ClinVar (database versions not stated): gnomAD exomes below 0.00001 and 0.00002; ExAC 0.00001; gnomAD 0.00003; TOPMed 0.00003.
gnomAD v4.1: 11 of 1,613,322 alleles (0.00068%); highest among the groups gnomAD compares: Admixed American, 0.015%; no homozygotes.

Submissions (3):

Fulgent Genetics
Classification: Uncertain significance for Pseudoxanthoma elasticum, forme fruste; Autosomal recessive inherited pseudoxanthoma elasticum; Arterial calcification, generalized, of infancy, 2. Last evaluated: 2024-01-17. Review status: criteria provided, single submitter. Criteria: ACMG Guidelines, 2015. Collection method: clinical testing. Allele origin: germline.

Labcorp Genetics (formerly Invitae), Labcorp
Classification: Uncertain significance. Last evaluated: 2023-12-11. Review status: criteria provided, single submitter. Criteria: Invitae Variant Classification Sherloc (09022015). Collection method: clinical testing. Allele origin: germline.
Comment: This sequence change replaces alanine, which is neutral and non-polar, with valine, which is neutral and non-polar, at codon 764 of the ABCC6 protein (p.Ala764Val). This variant is present in population databases (rs748000420, gnomAD 0.02%). This variant has not been reported in the literature in individuals affected with ABCC6-related conditions. ClinVar contains an entry for this variant (Variation ID: 1385348). Advanced modeling of protein sequence and biophysical properties (such as structural, functional, and spatial information, amino acid conservation, physicochemical variation, residue mobility, and thermodynamic stability) performed at Invitae indicates that this missense variant is expected to disrupt ABCC6 protein function with a positive predictive value of 95%. In summary, the available evidence is currently insufficient to determine the role of this variant in disease. Therefore, it has been classified as a Variant of Uncertain Significance.

Blueprint Genetics
Classification: Uncertain significance. Last evaluated: 2022-03-15. Review status: criteria provided, single submitter. Criteria: ACMG Guidelines, 2015. Collection method: clinical testing. Allele origin: germline.

NM_001171.6(ABCC6):c.2291C>T (p.Ala764Val)

Gene: ABCC6 (ATP binding cassette subfamily C member 6; minus strand). Cytogenetic location: 16p13.11.
Variant type: single nucleotide variant.
Coding change: c.2291C>T on transcript NM_001171.6 (MANE Select); coding-DNA position 2291, C replaced by T.
Protein change: p.Ala764Val; replaces alanine 764 with valine.
Molecular consequence: missense variant. On other transcripts: non-coding transcript variant (1).
Genome position (GRCh38, 1-based): chr16:16,178,922, G>A on the plus strand (C>T on the coding strand, the complement: ABCC6 is on the minus strand). VCF-style: chr16-16178922-G-A. GRCh37 (hg19) VCF-style: chr16-16272779-G-A.
Other names: c.1949C>T, p.Ala650Val (NM_001351800.1); short protein forms A650V, A764V.
Identifiers: ClinVar variation 1385348 (VCV001385348.6), dbSNP rs748000420, ClinGen allele CA7925963.